The following is an entry in ClinVar:

NM_007194.4(CHEK2):c.1614G>A (p.Val538=)

Gene: CHEK2 (checkpoint kinase 2; minus strand). Cytogenetic location: 22q12.1.
Variant type: single nucleotide variant.
Coding change: c.1614G>A on transcript NM_007194.4 (MANE Select); coding-DNA position 1614, G replaced by A.
Protein change: p.Val538=; no amino-acid change (valine 538 retained).
Molecular consequence: synonymous variant.
Genome position (GRCh38, 1-based): chr22:28,687,915, C>T on the plus strand (G>A on the coding strand, the complement: CHEK2 is on the minus strand). VCF-style: chr22-28687915-C-T. GRCh37 (hg19) VCF-style: chr22-29083903-C-T.
Other names: c.1743G>A, p.Val581= (NM_001005735.3); c.951G>A, p.Val317= (NM_001257387.3); c.1413G>A, p.Val471= (NM_001349956.3); c.1527G>A, p.Val509= (NM_145862.3).
Identifiers: ClinVar variation 460815 (VCV000460815.12), dbSNP rs750337711, ClinGen allele CA10167603.
Genomic context (GRCh38, chr22:28,687,915, plus strand): 5'-AGTGAAAGAAGGTACATTTCTTTCGTGTTCAAACCACGGAGTTCACAACACAGCAGCACA[C>T]ACAGCTGGGCGCTTTGTGGTCTCGGCACCCTCGGCTTCCCCTTCACGGGGCCGCTTTCGA-3'
Protein context (NP_009125.1, residues 528-543): EGAETTKRPA[Val538=]CAAVL

ClinVar aggregate classification (germline): Benign/Likely benign. Review status: criteria provided, multiple submitters, no conflicts (2 of 4 stars). 3 submissions from 3 submitters: Benign (1); Likely benign (2). Last evaluated 2024-10-09.

Conditions:
Hereditary cancer-predisposing syndrome. Also called: Neoplastic Syndromes, Hereditary; Tumor predisposition; Hereditary Cancer Syndrome; Hereditary neoplastic syndrome. Identifiers: Orphanet 140162, MedGen C0027672, MeSH D009386, MONDO:0015356.
Familial cancer of breast. Also called: BREAST CANCER, FAMILIAL; hereditary breast carcinoma; Hereditary breast cancer. Identifiers: Orphanet 227535, MedGen C0346153, MONDO:0016419, OMIM 114480. Disease mechanism: loss of function.

Allele frequency attached by ClinVar (database versions not stated): ExAC 0.00001.

Submissions (3):

Myriad Genetics, Inc.
Classification: Benign for Familial cancer of breast. Last evaluated: 2024-10-09. Review status: criteria provided, single submitter. Criteria: Myriad Autosomal Dominant, Autosomal Recessive and X-Linked Classification Criteria (2023). Collection method: clinical testing. Allele origin: unknown.
Comment: This variant is considered benign. This variant is a silent/synonymous amino acid change and it is not expected to impact splicing.

Labcorp Genetics (formerly Invitae), Labcorp
Classification: Likely benign for Familial cancer of breast. Last evaluated: 2023-08-30. Review status: criteria provided, single submitter. Criteria: Invitae Variant Classification Sherloc (09022015). Collection method: clinical testing. Allele origin: germline.

Ambry Genetics
Classification: Likely benign for Hereditary cancer-predisposing syndrome. Last evaluated: 2019-09-06. Review status: criteria provided, single submitter. Criteria: Ambry Variant Classification Scheme 2023. Collection method: clinical testing. Allele origin: germline.